The following is an entry in ClinVar:

NM_000214.3(JAG1):c.886+3A>G

Gene: JAG1 (jagged canonical Notch ligand 1; minus strand). Cytogenetic location: 20p12.2.
Variant type: single nucleotide variant.
Coding change: c.886+3A>G on transcript NM_000214.3 (MANE Select); 3 bases into the intron after coding-DNA position 886, A replaced by G.
Molecular consequence: intron variant.
Genome position (GRCh38, 1-based): chr20:10,652,465, T>C on the plus strand (A>G on the coding strand, the complement: JAG1 is on the minus strand). VCF-style: chr20-10652465-T-C. GRCh37 (hg19) VCF-style: chr20-10633113-T-C.
Other names: c.886+3A>G (LRG_1191t1, NM_000214.2).
Identifiers: ClinVar variation 502067 (VCV000502067.6), dbSNP rs1555829065, ClinGen allele CA658799341.

ClinVar aggregate classification (germline): Likely pathogenic. Review status: criteria provided, multiple submitters, no conflicts (2 of 4 stars). 2 submissions from 2 submitters: Likely pathogenic (2). Last evaluated 2023-11-01.

Conditions:
Cardiovascular phenotype. Identifiers: MedGen CN230736.

Submissions (2):

Ambry Genetics
Classification: Likely pathogenic for Cardiovascular phenotype. Last evaluated: 2023-11-01. Review status: criteria provided, single submitter. Criteria: Ambry Variant Classification Scheme 2023. Collection method: clinical testing. Allele origin: germline.
Comment: The c.886+3A>G intronic alteration results from an A to G substitution 3 nucleotides after coding exon 6 of the JAG1 gene. This variant was not reported in population-based cohorts in the Genome Aggregation Database (gnomAD). This variant (also described as c.1299+3A>G) has been reported in siblings with features consistent with Alagille syndrome (Heritage, 2002). This nucleotide position is well conserved in available vertebrate species. RT-PCR analysis of this variant has demonstrated aberrant splicing (Heritage, 2002; Ambry internal data). In silico splice site analysis predicts that this alteration will not have any significant effect on splicing. Based on the available evidence, this alteration is classified as likely pathogenic.

Eurofins Ntd Llc (ga)
Classification: Likely pathogenic. Last evaluated: 2017-05-22. Review status: criteria provided, single submitter. Criteria: EGL Classification Definitions 2015. Collection method: clinical testing. Allele origin: germline. Observed: 1 variant allele, 1 heterozygote.

Literature cited by the submitters: PubMed 12442286 (cited by Ambry Genetics).